The following is an entry in ClinVar:

ClinVar aggregate classification (germline): Benign/Likely benign. Review status: criteria provided, multiple submitters, no conflicts (2 of 4 stars). 9 submissions from 9 submitters: Benign (2); Likely benign (6). 1 of the submissions does not count toward it. Last evaluated 2026-07-01.

Conditions:
CHSY1-related disorder. Also called: CHSY1-related condition.
Temtamy preaxial brachydactyly syndrome (TPBS). Identifiers: Orphanet 363417, MedGen C1854466, MONDO:0011533, OMIM 605282.

Allele frequency attached by ClinVar (database versions not stated): 1000 Genomes Project 0.00100; 1000 Genomes Project 30x 0.00109; ExAC 0.00264; gnomAD exomes 0.00299 and 0.00609; gnomAD 0.00320 and 0.00329; TOPMed 0.00351; ESP Exome Variant Server 0.00423.
gnomAD v4.1: 9,333 of 1,614,166 alleles (0.58%); highest among the groups gnomAD compares: Non-Finnish European, 0.74%; 42 homozygotes.

Submissions (9):

CeGaT Center for Human Genetics Tuebingen
Classification: Likely benign. Last evaluated: 2026-07-01. Review status: criteria provided, single submitter. Criteria: CeGaT Center For Human Genetics Tuebingen Variant Classification Criteria Version 2. Collection method: clinical testing. Allele origin: germline. Affected: yes. Observed: 6 variant alleles.
Comment: CHSY1: BS2

Labcorp Genetics (formerly Invitae), Labcorp
Classification: Benign for Temtamy preaxial brachydactyly syndrome. Last evaluated: 2026-01-25. Review status: criteria provided, single submitter. Criteria: Invitae Variant Classification Sherloc (09022015). Collection method: clinical testing. Allele origin: germline.

Blueprint Genetics
Classification: Likely benign. Last evaluated: 2024-11-26. Review status: criteria provided, single submitter. Criteria: ACMG Guidelines, 2015. Collection method: clinical testing. Allele origin: germline.

Fulgent Genetics
Classification: Likely benign for Temtamy preaxial brachydactyly syndrome. Last evaluated: 2021-07-14. Review status: criteria provided, single submitter. Criteria: ACMG Guidelines, 2015. Collection method: clinical testing. Allele origin: unknown.

GeneDx
Classification: Likely benign. Last evaluated: 2020-03-05. Review status: criteria provided, single submitter. Criteria: GeneDx Variant Classification Process June 2021. Collection method: clinical testing. Allele origin: germline. Affected: yes.
Comment: Has not been previously published as pathogenic or benign to our knowledge

Athena Diagnostics
Classification: Benign. Last evaluated: 2019-12-03. Review status: criteria provided, single submitter. Criteria: Athena Diagnostics Criteria. Collection method: clinical testing. Allele origin: unknown.

Eurofins Ntd Llc (ga)
Classification: Likely benign. Last evaluated: 2015-07-07. Review status: criteria provided, single submitter. Criteria: EGL Classification Definitions 2015. Collection method: clinical testing. Allele origin: germline. Observed: 1 variant allele, 1 heterozygote.

Breakthrough Genomics
Classification: Likely benign. Review status: criteria provided, single submitter. Criteria: ACMG Guidelines, 2015. Collection method: not provided. Allele origin: germline. Inheritance: Autosomal recessive inheritance. Affected: yes.

PreventionGenetics, part of Exact Sciences
Classification: Likely benign for CHSY1-related condition. Last evaluated: 2019-07-17. Review status: no assertion criteria provided. Collection method: clinical testing. Allele origin: germline. Not counted in ClinVar's aggregate classification.
Comment: This variant is classified as likely benign based on ACMG/AMP sequence variant interpretation guidelines (Richards et al. 2015 PMID: 25741868, with internal and published modifications).

NM_014918.5(CHSY1):c.1325T>C (p.Met442Thr)

Gene: CHSY1 (chondroitin sulfate synthase 1; minus strand). Cytogenetic location: 15q26.3.
Variant type: single nucleotide variant.
Coding change: c.1325T>C on transcript NM_014918.5 (MANE Select); coding-DNA position 1325, T replaced by C.
Protein change: p.Met442Thr; replaces methionine 442 with threonine.
Molecular consequence: missense variant.
Genome position (GRCh38, 1-based): chr15:101,178,472, A>G on the plus strand (T>C on the coding strand, the complement: CHSY1 is on the minus strand). VCF-style: chr15-101178472-A-G. GRCh37 (hg19) VCF-style: chr15-101718677-A-G.
Other names: short protein forms M442T.
Identifiers: ClinVar variation 281557 (VCV000281557.36), dbSNP rs148193087, ClinGen allele CA7762551.